The following is an entry in ClinVar:

NM_000038.6(APC):c.532-939G>A

Gene: APC (APC regulator of Wnt signaling pathway; plus strand). Cytogenetic location: 5q22.2.
Variant type: single nucleotide variant.
Coding change: c.532-939G>A on transcript NM_000038.6 (MANE Select); 939 bases into the intron before coding-DNA position 532, G replaced by A.
Molecular consequence: intron variant.
Genome position (GRCh38, 1-based): chr5:112,779,851, G>A. VCF-style: chr5-112779851-G-A. GRCh37 (hg19) VCF-style: chr5-112115548-G-A.
Other names: c.532-939G>A (NM_001354895.2, NM_001127510.3, NM_001354896.2 and 2 more transcripts); c.562-939G>A (NM_001354897.2, NM_001354902.2, NM_001127511.3); c.457-939G>A (NM_001354898.2, NM_001354904.2); c.-504-939G>A (NM_001354906.2); c.355-939G>A (NM_001354900.2, NM_001354901.2, NM_001354905.2).
Identifiers: ClinVar variation 371887 (VCV000371887.6), dbSNP rs551489857, ClinGen allele CA16042085.

ClinVar aggregate classification (germline): Likely benign. Review status: criteria provided, single submitter (1 of 4 stars). 3 submissions from 3 submitters: Likely benign (1). 2 of the submissions do not count toward it. Last evaluated 2024-10-10.

Conditions:
APC-related disorder. Also called: APC-related condition.
Familial adenomatous polyposis 1 (FAP1). Also called: POLYPOSIS, ADENOMATOUS INTESTINAL; FAMILIAL ADENOMATOUS POLYPOSIS 1, ATTENUATED. Identifiers: MedGen C2713442, MONDO:0021056, OMIM 175100. Disease mechanism: loss of function.

Allele frequency attached by ClinVar (database versions not stated): TOPMed 0.00002.
gnomAD v4.1: 4 of 152,184 alleles (0.0026%); highest among the groups gnomAD compares: Non-Finnish European, 0.0015%; no homozygotes.

Submissions (3):

Blueprint Genetics
Classification: Likely benign. Last evaluated: 2024-10-10. Review status: criteria provided, single submitter. Criteria: ACMG Guidelines, 2015. Collection method: clinical testing. Allele origin: germline.

PreventionGenetics, part of Exact Sciences
Classification: Likely benign for APC-related condition. Last evaluated: 2019-07-15. Review status: no assertion criteria provided. Collection method: clinical testing. Allele origin: germline. Not counted in ClinVar's aggregate classification.
Comment: This variant is classified as likely benign based on ACMG/AMP sequence variant interpretation guidelines (Richards et al. 2015 PMID: 25741868, with internal and published modifications).

Counsyl
Classification: Likely benign for Familial adenomatous polyposis 1. Last evaluated: 2016-07-15. Review status: no assertion criteria provided. Collection method: clinical testing. Allele origin: unknown. Not counted in ClinVar's aggregate classification.